The following is an entry in ClinVar:

NM_001349253.2(SCN11A):c.4344del (p.Leu1449fs)

Gene: SCN11A (sodium voltage-gated channel alpha subunit 11; minus strand). Cytogenetic location: 3p22.2.
Variant type: Deletion.
Coding change: c.4344del on transcript NM_001349253.2 (MANE Select); coding-DNA position 4344, one base deleted (C; older notation c.4344delC).
Protein change: p.Leu1449fs; shifts the reading frame from leucine 1449.
Molecular consequence: frameshift variant.
Genome position (GRCh38, 1-based): chr3:38,847,726, G deleted on the plus strand (C on the coding strand, the reverse complement: SCN11A is on the minus strand); the first of 2 consecutive G bases (chr3:38,847,726-38,847,727); deleting either gives the same sequence. VCF-style (leftmost placement, unchanged base first): chr3-38847725-AG-A. GRCh37 (hg19) VCF-style: chr3-38889216-AG-A.
Other names: c.4344del, p.Leu1449fs (NM_014139.3); short protein forms L1449fs.
Identifiers: ClinVar variation 4071853 (VCV004071853.1).

ClinVar aggregate classification (germline): Uncertain significance (1 of 4 stars; one submission).

Submission:

GeneDx
Classification: Uncertain significance. Last evaluated: 2025-01-24. Review status: criteria provided, single submitter. Criteria: GeneDx Variant Classification Process June 2021. Collection method: clinical testing. Allele origin: germline. Affected: yes.
Comment: Not observed at significant frequency in large population cohorts (gnomAD); Frameshift variant predicted to result in abnormal protein length as the last 343 amino acids are replaced with 25 different amino acid(s); Has not been previously published as pathogenic or benign to our knowledge